The following is an entry in ClinVar:

ClinVar aggregate classification (germline): Uncertain significance (0 of 4 stars; one submission).

Conditions:
NRP2-related disorder. Also called: NRP2-related condition.

gnomAD v4.1: 7 of 1,614,082 alleles (0.00043%); highest among the groups gnomAD compares: Admixed American, 0.0067%; no homozygotes.

Submission:

PreventionGenetics, part of Exact Sciences
Classification: Uncertain significance for NRP2-related condition. Last evaluated: 2023-12-20. Review status: no assertion criteria provided. Collection method: clinical testing. Allele origin: germline.
Comment: The NRP2 c.1835A>G variant is predicted to result in the amino acid substitution p.Glu612Gly. To our knowledge, this variant has not been reported in the literature. This variant is reported in 0.0058% of alleles in individuals of Latino descent in gnomAD. At this time, the clinical significance of this variant is uncertain due to the absence of conclusive functional and genetic evidence.

NM_003872.3(NRP2):c.1835A>G (p.Glu612Gly)

Gene: NRP2 (neuropilin 2; plus strand). Cytogenetic location: 2q33.3.
Variant type: single nucleotide variant.
Coding change: c.1835A>G on transcript NM_003872.3 (MANE Select); coding-DNA position 1835, A replaced by G.
Protein change: p.Glu612Gly; replaces glutamic acid 612 with glycine.
Molecular consequence: missense variant.
Genome position (GRCh38, 1-based): chr2:205,749,773, A>G. VCF-style: chr2-205749773-A-G. GRCh37 (hg19) VCF-style: chr2-206614497-A-G.
Other names: c.1835A>G, p.Glu612Gly (NM_018534.4, NM_201266.2, NM_201267.2 and 1 more transcripts); short protein forms E612G.
Identifiers: ClinVar variation 3347988 (VCV003347988.1).
Genomic context (GRCh38, chr2:205,749,773, plus strand): 5'-GCCCTTACACAGACTCCAAGCCCACGGTAGAGACGCTGGGACCCACTGTGAAGAGCGAAG[A>G]GACAACCACCCCCTACCCCACCGAAGAGGAGGCCACAGAGTGTGGGGAGAACTGCAGCTT-3'
Protein context (NP_003863.2, residues 602-622): ETLGPTVKSE[Glu612Gly]TTTPYPTEEE